The following is an entry in ClinVar:

NM_021813.4(BACH2):c.254G>C (p.Arg85Thr)

Gene: BACH2 (BACH transcriptional regulator 2; minus strand). Cytogenetic location: 6q15.
Variant type: single nucleotide variant.
Coding change: c.254G>C on transcript NM_021813.4 (MANE Select); coding-DNA position 254, G replaced by C.
Protein change: p.Arg85Thr; replaces arginine 85 with threonine.
Molecular consequence: missense variant.
Genome position (GRCh38, 1-based): chr6:89,951,852, C>G on the plus strand (G>C on the coding strand, the complement: BACH2 is on the minus strand). VCF-style: chr6-89951852-C-G. GRCh37 (hg19) VCF-style: chr6-90661571-C-G.
Other names: c.254G>C, p.Arg85Thr (NM_001170794.2); c.254G>C (NM_021813.2); short protein forms R85T.
Identifiers: ClinVar variation 2893273 (VCV002893273.4), dbSNP rs775887547, ClinGen allele CA3928196.

ClinVar aggregate classification (germline): Uncertain significance. Review status: criteria provided, multiple submitters, no conflicts (2 of 4 stars). 2 submissions from 2 submitters: Uncertain significance (2). Last evaluated 2025-11-24.

gnomAD v4.1: 1 of 1,609,942 alleles (0.000062%); highest among the groups gnomAD compares: Non-Finnish European, 0.000085%; no homozygotes.

Submissions (2):

Labcorp Genetics (formerly Invitae), Labcorp
Classification: Uncertain significance. Last evaluated: 2025-11-24. Review status: criteria provided, single submitter. Criteria: Invitae Variant Classification Sherloc (09022015). Collection method: clinical testing. Allele origin: germline.
Comment: This sequence change replaces arginine, which is basic and polar, with threonine, which is neutral and polar, at codon 85 of the BACH2 protein (p.Arg85Thr). This variant is present in population databases (rs775887547, gnomAD 0.002%). This variant has not been reported in the literature in individuals affected with BACH2-related conditions. ClinVar contains an entry for this variant (Variation ID: 2893273). Invitae Evidence Modeling of protein sequence and biophysical properties (such as structural, functional, and spatial information, amino acid conservation, physicochemical variation, residue mobility, and thermodynamic stability) has been performed for this missense variant. However, the output from this modeling did not meet the statistical confidence thresholds required to predict the impact of this variant on BACH2 protein function. In summary, the available evidence is currently insufficient to determine the role of this variant in disease. Therefore, it has been classified as a Variant of Uncertain Significance.

Ambry Genetics
Classification: Uncertain significance. Last evaluated: 2025-10-07. Review status: criteria provided, single submitter. Criteria: Ambry Variant Classification Scheme 2023. Collection method: clinical testing. Allele origin: germline.